The following is an entry in ClinVar:

ClinVar aggregate classification (germline): Likely benign. Review status: criteria provided, multiple submitters, no conflicts (2 of 4 stars). 2 submissions from 2 submitters: Likely benign (2). Last evaluated 2025-07-09.

Conditions:
Familial melanoma. Also called: Hereditary melanoma; Hereditary cutaneous melanoma. Identifiers: Orphanet 618, MedGen C1512419, MONDO:0018961.
Melanoma, cutaneous malignant, susceptibility to, 3. Also called: Cutaneous malignant melanoma 3. Identifiers: Orphanet 618, MedGen C1836892, MONDO:0012183, OMIM 609048.

Allele frequency attached by ClinVar (database versions not stated): TOPMed below 0.00001; gnomAD 0.00001.

Submissions (2):

Labcorp Genetics (formerly Invitae), Labcorp
Classification: Likely benign for Familial melanoma. Last evaluated: 2025-07-09. Review status: criteria provided, single submitter. Criteria: Invitae Variant Classification Sherloc (09022015). Collection method: clinical testing. Allele origin: germline.

Myriad Genetics, Inc.
Classification: Likely benign for Melanoma, cutaneous malignant, susceptibility to, 3. Last evaluated: 2024-09-26. Review status: criteria provided, single submitter. Criteria: Myriad Autosomal Dominant, Autosomal Recessive and X-Linked Classification Criteria (2023). Collection method: clinical testing. Allele origin: unknown.
Comment: This variant is considered likely benign. This variant is intronic and is not expected to impact mRNA splicing.

NM_000075.4(CDK4):c.819+7G>A

Genes: CDK4 (cyclin dependent kinase 4; minus strand), TSPAN31 (tetraspanin 31; plus strand). Cytogenetic location: 12q14.1.
Variant type: single nucleotide variant.
Coding change: c.819+7G>A on transcript NM_000075.4 (MANE Select); 7 bases into the intron after coding-DNA position 819, G replaced by A.
Molecular consequence: intron variant. On other transcripts: 3 prime UTR variant (3).
Genome position (GRCh38, 1-based): chr12:57,749,175, C>T on the plus strand (G>A on the coding strand, the complement: CDK4 is on the minus strand). VCF-style: chr12-57749175-C-T. GRCh37 (hg19) VCF-style: chr12-58142958-C-T.
Other names: c.*1885C>T (NM_001330168.2, NM_001330169.2, NM_005981.5).
Identifiers: ClinVar variation 1938007 (VCV001938007.6), dbSNP rs1414735966, ClinGen allele CA690319263.